The following is an entry in ClinVar:

ClinVar aggregate classification (germline): Uncertain significance (1 of 4 stars; one submission).

Submission:

Labcorp Genetics (formerly Invitae), Labcorp
Classification: Uncertain significance. Last evaluated: 2021-12-07. Review status: criteria provided, single submitter. Criteria: Invitae Variant Classification Sherloc (09022015). Collection method: clinical testing. Allele origin: germline.
Comment: In summary, the available evidence is currently insufficient to determine the role of this variant in disease. Therefore, it has been classified as a Variant of Uncertain Significance. Algorithms developed to predict the effect of missense changes on protein structure and function output the following: SIFT: "Tolerated"; PolyPhen-2: "Benign"; Align-GVGD: "Class C0". The serine amino acid residue is found in multiple mammalian species, which suggests that this missense change does not adversely affect protein function. This variant has not been reported in the literature in individuals affected with FGFRL1-related conditions. This variant is not present in population databases (gnomAD no frequency). This sequence change replaces alanine, which is neutral and non-polar, with serine, which is neutral and polar, at codon 367 of the FGFRL1 protein (p.Ala367Ser).

NM_001004356.3(FGFRL1):c.1099G>T (p.Ala367Ser)

Gene: FGFRL1 (fibroblast growth factor receptor like 1; plus strand). Cytogenetic location: 4p16.3.
Variant type: single nucleotide variant.
Coding change: c.1099G>T on transcript NM_001004356.3 (MANE Select); coding-DNA position 1099, G replaced by T.
Protein change: p.Ala367Ser; replaces alanine 367 with serine.
Molecular consequence: missense variant.
Genome position (GRCh38, 1-based): chr4:1,024,931, G>T. VCF-style: chr4-1024931-G-T. GRCh37 (hg19) VCF-style: chr4-1018719-G-T.
Other names: c.1099G>T, p.Ala367Ser (NM_001004358.1, NM_001370296.1, NM_021923.3); short protein forms A367S.
Identifiers: ClinVar variation 1395150 (VCV001395150.8), dbSNP rs2153027416, ClinGen allele CA355934302.
Genomic context (GRCh38, chr4:1,024,931, plus strand): 5'-CCCCTCCCTACCTCCTTTCCTCTCGCTCTTGCAGACCCAAAACCGCCAGGGCCACCTGTG[G>T]CCTCCTCGTCCTCGGCCACTAGCCTGCCGTGGCCCGTGGTCATCGGCATCCCAGCCGGCG-3'
Protein context (NP_001004356.1, residues 357-377): PDPKPPGPPV[Ala367Ser]SSSSATSLPW